The following is an entry in ClinVar:

NM_000186.4(CFH):c.1874-16A>G

Gene: CFH (complement factor H; plus strand). Cytogenetic location: 1q31.3.
Variant type: single nucleotide variant.
Coding change: c.1874-16A>G on transcript NM_000186.4 (MANE Select); 16 bases into the intron before coding-DNA position 1874, A replaced by G.
Molecular consequence: intron variant.
Genome position (GRCh38, 1-based): chr1:196,726,454, A>G. VCF-style: chr1-196726454-A-G. GRCh37 (hg19) VCF-style: chr1-196695584-A-G.
Identifiers: ClinVar variation 3336330 (VCV003336330.1).
Genomic context (GRCh38, chr1:196,726,454, plus strand): 5'-ATCTTTCCATTTTACTGAATTTTTATATTGTAAAACAGACAATTTAACCATTATTTACAT[A>G]GTATTTCTACTATAGAGCAAGTACAATCATGTGGTCCACCTCCTGAACTCCTCAATGGGA-3'

ClinVar aggregate classification (germline): Likely benign (1 of 4 stars; one submission).

Submission:

Women's Health and Genetics/Laboratory Corporation of America, LabCorp
Classification: Likely benign. Last evaluated: 2024-05-28. Review status: criteria provided, single submitter. Criteria: LabCorp Variant Classification Summary - May 2015. Collection method: clinical testing. Allele origin: germline.
Comment: Variant summary: CFH c.1874-16A>G alters a non-conserved nucleotide located at a position not widely known to affect splicing. Consensus agreement among computation tools predict no significant impact on normal splicing. However, these predictions have yet to be confirmed by functional studies. The variant was absent in 247762 control chromosomes. The available data on variant occurrences in the general population are insufficient to allow any conclusion about variant significance. To our knowledge, no occurrence of c.1874-16A>G in individuals affected with CFH-Related Disorders and no experimental evidence demonstrating its impact on protein function have been reported. No submitters have cited clinical-significance assessments for this variant to ClinVar. Based on the evidence outlined above, the variant was classified as likely benign.